The following is an entry in ClinVar:

ClinVar aggregate classification (germline): Uncertain significance (1 of 4 stars; one submission).

Conditions:
HNRNPA2B1-related disorder. Also called: HNRNPA2B1-related condition.

Submission:

PreventionGenetics, part of Exact Sciences
Classification: Uncertain significance for HNRNPA2B1-related condition. Last evaluated: 2025-03-20. Review status: criteria provided, single submitter. Criteria: ACMG Guidelines, 2015. Collection method: clinical testing. Allele origin: germline.
Comment: The HNRNPA2B1 c.821C>G variant is predicted to result in the amino acid substitution p.Pro274Arg. To our knowledge, this variant has not been reported in the literature or in a large population database (gnomAD), indicating this variant is rare. At this time, the clinical significance of this variant is uncertain due to the absence of conclusive functional and genetic evidence.

NM_002137.4(HNRNPA2B1):c.785C>G (p.Pro262Arg)

Gene: HNRNPA2B1 (heterogeneous nuclear ribonucleoprotein A2/B1; minus strand). Cytogenetic location: 7p15.2.
Variant type: single nucleotide variant.
Coding change: c.785C>G on transcript NM_002137.4 (MANE Select); coding-DNA position 785, C replaced by G.
Protein change: p.Pro262Arg; replaces proline 262 with arginine.
Molecular consequence: missense variant. On other transcripts: intron variant (6).
Genome position (GRCh38, 1-based): chr7:26,193,631, G>C on the plus strand (C>G on the coding strand, the complement: HNRNPA2B1 is on the minus strand). VCF-style: chr7-26193631-G-C. GRCh37 (hg19) VCF-style: chr7-26233251-G-C.
Other names: c.785C>G, p.Pro262Arg (NM_001438063.1, NM_001438571.1, NM_001438572.1); c.821C>G, p.Pro274Arg (NM_001438568.1, NM_001438569.1, NM_001438570.1 and 1 more transcripts); c.722-258C>G (NM_001438578.1, NM_001438576.1, NM_001438575.1 and 1 more transcripts); c.758-258C>G (NM_001438574.1, NM_001438573.1); short protein forms P274R, P262R.
Identifiers: ClinVar variation 5001177 (VCV005001177.1).